The following is an entry in ClinVar:

ClinVar aggregate classification (germline): Uncertain significance. Review status: criteria provided, single submitter (1 of 4 stars). 2 submissions from 2 submitters: Uncertain significance (1). 1 of the submissions does not count toward it. Last evaluated 2024-02-05.

Conditions:
Bardet-Biedl syndrome 13 (BBS13). Identifiers: Orphanet 110, MedGen C2673873, MONDO:0014441, OMIM 615990.
Meckel syndrome, type 1 (MKS1). Also called: MECKEL-GRUBER SYNDROME, TYPE 1. Identifiers: Orphanet 564, MedGen C3714506, MONDO:0009571, OMIM 249000.
Joubert syndrome 28 (JBTS28). Identifiers: MedGen C4310705, MONDO:0014928, OMIM 617121.
MKS1-related disorder. Also called: MKS1-related condition; MKS1-related disorders. Identifiers: MedGen CN239382.

gnomAD v4.1: 1 of 1,613,982 alleles (0.000062%); highest among the groups gnomAD compares: Non-Finnish European, 0.000085%; no homozygotes.

Submissions (2):

Fulgent Genetics
Classification: Uncertain significance for Meckel syndrome, type 1; Bardet-Biedl syndrome 13; Joubert syndrome 28. Last evaluated: 2024-02-05. Review status: criteria provided, single submitter. Criteria: ACMG Guidelines, 2015. Collection method: clinical testing. Allele origin: germline.

PreventionGenetics, part of Exact Sciences
Classification: Uncertain significance for MKS1-related condition. Last evaluated: 2024-02-20. Review status: no assertion criteria provided. Collection method: clinical testing. Allele origin: germline. Not counted in ClinVar's aggregate classification.
Comment: The MKS1 c.1182G>T variant is predicted to result in the amino acid substitution p.Trp394Cys. To our knowledge, this variant has not been reported in the literature or in a large population database, indicating this variant is rare. At this time, the clinical significance of this variant is uncertain due to the absence of conclusive functional and genetic evidence.

NM_017777.4(MKS1):c.1182G>T (p.Trp394Cys)

Gene: MKS1 (MKS transition zone complex subunit 1; minus strand). Cytogenetic location: 17q22.
Variant type: single nucleotide variant.
Coding change: c.1182G>T on transcript NM_017777.4 (MANE Select); coding-DNA position 1182, G replaced by T.
Protein change: p.Trp394Cys; replaces tryptophan 394 with cysteine.
Molecular consequence: missense variant.
Genome position (GRCh38, 1-based): chr17:58,207,985, C>A on the plus strand (G>T on the coding strand, the complement: MKS1 is on the minus strand). VCF-style: chr17-58207985-C-A. GRCh37 (hg19) VCF-style: chr17-56285346-C-A.
Other names: c.573G>T, p.Trp191Cys (NM_001321268.2); c.1182G>T, p.Trp394Cys (NM_001321269.2, NM_001330397.2, NM_001411113.1); short protein forms W191C, W394C.
Identifiers: ClinVar variation 3356351 (VCV003356351.2).